The following is an entry in ClinVar:

NM_001376.5(DYNC1H1):c.6619-2A>G

Gene: DYNC1H1 (dynein cytoplasmic 1 heavy chain 1; plus strand). Cytogenetic location: 14q32.31.
Variant type: single nucleotide variant.
Coding change: c.6619-2A>G on transcript NM_001376.5 (MANE Select); the canonical splice acceptor site of the intron before coding-DNA position 6619, A replaced by G.
Molecular consequence: splice acceptor variant.
Genome position (GRCh38, 1-based): chr14:102,011,873, A>G. VCF-style: chr14-102011873-A-G. GRCh37 (hg19) VCF-style: chr14-102478210-A-G.
Identifiers: ClinVar variation 4538254 (VCV004538254.1).

ClinVar aggregate classification (germline): Uncertain significance (1 of 4 stars; one submission).

Submission:

Greenwood Genetic Center Diagnostic Laboratories, Greenwood Genetic Center
Classification: Uncertain significance. Last evaluated: 2025-05-27. Review status: criteria provided, single submitter. Criteria: ACMG Guidelines, 2015. Collection method: clinical testing. Allele origin: germline. Affected: yes.
Comment: PM2, PP3